The following is an entry in ClinVar:

NM_001374259.2(IL12RB2):c.553A>G (p.Ile185Val)

Gene: IL12RB2 (interleukin 12 receptor subunit beta 2; plus strand). Cytogenetic location: 1p31.3.
Variant type: single nucleotide variant.
Coding change: c.553A>G on transcript NM_001374259.2 (MANE Select); coding-DNA position 553, A replaced by G.
Protein change: p.Ile185Val; replaces isoleucine 185 with valine.
Molecular consequence: missense variant. On other transcripts: non-coding transcript variant (2).
Genome position (GRCh38, 1-based): chr1:67,328,273, A>G. VCF-style: chr1-67328273-A-G. GRCh37 (hg19) VCF-style: chr1-67793956-A-G.
Other names: c.553A>G, p.Ile185Val (NM_001258214.1, NM_001258215.1, NM_001258216.1 and 2 more transcripts); short protein forms I185V.
Identifiers: ClinVar variation 713673 (VCV000713673.13), dbSNP rs2307146, ClinGen allele CA900229.

ClinVar aggregate classification (germline): Benign/Likely benign. Review status: criteria provided, multiple submitters, no conflicts (2 of 4 stars). 4 submissions from 4 submitters: Benign (2); Likely benign (1). 1 of the submissions does not count toward it. Last evaluated 2026-01-27.

Conditions:
IL12RB2-related disorder. Also called: IL12RB2-related condition.

Allele frequency attached by ClinVar (database versions not stated): 1000 Genomes Project 30x 0.00203; 1000 Genomes Project 0.00220; gnomAD 0.00257 and 0.00273; TOPMed 0.00278; ESP Exome Variant Server 0.00300.
gnomAD v4.1: 848 of 1,614,192 alleles (0.053%); highest among the groups gnomAD compares: African/African-American, 0.83%; 4 homozygotes.

Submissions (4):

Labcorp Genetics (formerly Invitae), Labcorp
Classification: Benign. Last evaluated: 2026-01-27. Review status: criteria provided, single submitter. Criteria: Invitae Variant Classification Sherloc (09022015). Collection method: clinical testing. Allele origin: germline.

Blueprint Genetics
Classification: Likely benign. Last evaluated: 2024-07-19. Review status: criteria provided, single submitter. Criteria: ACMG Guidelines, 2015. Collection method: clinical testing. Allele origin: germline.

Breakthrough Genomics
Classification: Benign. Review status: criteria provided, single submitter. Criteria: ACMG Guidelines, 2015. Collection method: not provided. Allele origin: germline. Inheritance: Unknown mechanism. Affected: yes.

PreventionGenetics, part of Exact Sciences
Classification: Benign for IL12RB2-related condition. Last evaluated: 2019-12-11. Review status: no assertion criteria provided. Collection method: clinical testing. Allele origin: germline. Not counted in ClinVar's aggregate classification.
Comment: This variant is classified as benign based on ACMG/AMP sequence variant interpretation guidelines (Richards et al. 2015 PMID: 25741868, with internal and published modifications).